The following is an entry in ClinVar:

ClinVar aggregate classification (germline): Uncertain significance (1 of 4 stars; one submission).

Conditions:
Autosomal dominant nonsyndromic hearing loss 3A. Identifiers: Orphanet 90635, MedGen C2675750, MONDO:0011103, OMIM 601544.
Autosomal dominant keratitis-ichthyosis-hearing loss syndrome. Also called: KID SYNDROME, AUTOSOMAL DOMINANT; Senter syndrome; HID SYNDROME. Identifiers: Orphanet 477, MedGen C0265336, MONDO:0007850, OMIM 148210.
Autosomal recessive nonsyndromic hearing loss 1A (DFNB1A). Also called: Connexin 26 deafness; Deafness nonsyndromic, Connexin 26 linked; GJB6-Related DFNB 1 Nonsyndromic Hearing Loss and Deafness; Deafness, autosomal recessive 1A; Nonsyndromic Hearing Loss and Deafness, DFNB1; GJB2-Related Autosomal Recessive Nonsyndromic Hearing Loss. Identifiers: Orphanet 90636, MedGen C2673759, MONDO:0009076, OMIM 220290.
Palmoplantar keratoderma-deafness syndrome. Also called: Keratoderma palmoplantar, with deafness; Palmoplantar keratoderma and sensorineural deafness; Hereditary palmoplantar keratoderma with deafness (subtype); Focal palmoplantar keratoderma with sensorineural deafness (subtype); Diffuse palmoplantar keratoderma with deafness (subtype). Identifiers: Orphanet 2202, MedGen C1835672, MONDO:0007852, OMIM 148350.
Mutilating keratoderma (VOWNKL). Also called: Keratoderma hereditarium mutilans. Identifiers: Orphanet 494, MedGen C0265964, MONDO:0007422, OMIM 124500.
Knuckle pads, deafness AND leukonychia syndrome. Also called: Bart-Pumphrey syndrome. Identifiers: Orphanet 2698, MedGen C0266004, MONDO:0007866, OMIM 149200.
Ichthyosis, hystrix-like, with hearing loss. Also called: Hystrix-like ichthyosis with deafness. Identifiers: Orphanet 477, MedGen C1865234, MONDO:0011245.

Submission:

Juno Genomics, Hangzhou Juno Genomics, Inc
Classification: Uncertain significance for Mutilating keratoderma; Knuckle pads, deafness AND leukonychia syndrome; Autosomal dominant nonsyndromic hearing loss 3A; Autosomal recessive nonsyndromic hearing loss 1A; Autosomal dominant keratitis-ichthyosis-hearing loss syndrome; Palmoplantar keratoderma-deafness syndrome. Review status: criteria provided, single submitter. Criteria: ACMG Guidelines, 2015. Collection method: clinical testing. Allele origin: germline. Affected: yes.
Comment: Absent from controls (or at extremely low frequency if recessive) in Genome Aggregation Database.;Multiple lines of computational evidence support a deleterious effect on the gene or gene product.

NM_004004.6(GJB2):c.93T>G (p.Phe31Leu)

Gene: GJB2 (gap junction protein beta 2; minus strand). Cytogenetic location: 13q12.11.
Variant type: single nucleotide variant.
Coding change: c.93T>G on transcript NM_004004.6 (MANE Select); coding-DNA position 93, T replaced by G.
Protein change: p.Phe31Leu; replaces phenylalanine 31 with leucine.
Molecular consequence: missense variant.
Genome position (GRCh38, 1-based): chr13:20,189,489, A>C on the plus strand (T>G on the coding strand, the complement: GJB2 is on the minus strand). VCF-style: chr13-20189489-A-C. GRCh37 (hg19) VCF-style: chr13-20763628-A-C.
Other names: short protein forms F31L.
Identifiers: ClinVar variation 5018536 (VCV005018536.1).